The following is an entry in ClinVar:

ClinVar aggregate classification (germline): Uncertain significance (1 of 4 stars; one submission).

Conditions:
Neurofibromatosis, type 2 (SWNV). Also called: BILATERAL ACOUSTIC NEUROFIBROMATOSIS; SCHWANNOMATOSIS, VESTIBULAR; NF2-Related Schwannomatosis. Identifiers: Orphanet 637, MedGen C0027832, MONDO:0007039, OMIM 101000. Disease mechanism: loss of function.

Allele frequency attached by ClinVar (database versions not stated): gnomAD exomes below 0.00001; ExAC 0.00001.

Submission:

Labcorp Genetics (formerly Invitae), Labcorp
Classification: Uncertain significance for Neurofibromatosis, type 2. Last evaluated: 2021-03-19. Review status: criteria provided, single submitter. Criteria: Invitae Variant Classification Sherloc (09022015). Collection method: clinical testing. Allele origin: germline.
Comment: This variant is present in population databases (rs778412102, ExAC 0.01%). In summary, the available evidence is currently insufficient to determine the role of this variant in disease. Therefore, it has been classified as a Variant of Uncertain Significance. Algorithms developed to predict the effect of missense changes on protein structure and function are either unavailable or do not agree on the potential impact of this missense change (SIFT: "Deleterious"; PolyPhen-2: "Possibly Damaging"; Align-GVGD: "Class C0"). This variant has not been reported in the literature in individuals with NF2-related conditions. This sequence change replaces glutamic acid with lysine at codon 350 of the NF2 protein (p.Glu350Lys). The glutamic acid residue is highly conserved and there is a small physicochemical difference between glutamic acid and lysine.

NM_000268.4(NF2):c.1048G>A (p.Glu350Lys)

Gene: NF2 (NF2, moesin-ezrin-radixin like (MERLIN) tumor suppressor; plus strand). Cytogenetic location: 22q12.2.
Variant type: single nucleotide variant.
Coding change: c.1048G>A on transcript NM_000268.4 (MANE Select); coding-DNA position 1048, G replaced by A.
Protein change: p.Glu350Lys; replaces glutamic acid 350 with lysine.
Molecular consequence: missense variant. On other transcripts: non-coding transcript variant (1), intron variant (1).
Genome position (GRCh38, 1-based): chr22:29,671,874, G>A. VCF-style: chr22-29671874-G-A. GRCh37 (hg19) VCF-style: chr22-30067863-G-A.
Other names: c.1048G>A, p.Glu350Lys (NM_016418.5, NM_181825.3, NM_181832.3); c.922G>A, p.Glu308Lys (NM_181828.3); c.925G>A, p.Glu309Lys (NM_181829.3); c.799G>A, p.Glu267Lys (NM_181830.3, NM_181831.3); c.448-22878G>A (NM_181833.3); short protein forms E308K, E309K, E267K, E350K.
Identifiers: ClinVar variation 1415041 (VCV001415041.8), dbSNP rs778412102, ClinGen allele CA036671.